The following is an entry in ClinVar:

ClinVar aggregate classification (germline): Uncertain significance (1 of 4 stars; one submission).

Conditions:
Cryptosporidiosis-chronic cholangitis-liver disease syndrome. Also called: IL21R immunodeficiency; Immunodeficiency type 56. Identifiers: Orphanet 357329, MedGen C3554687, MONDO:0014082, OMIM 615207.

Allele frequency attached by ClinVar (database versions not stated): gnomAD 0.00001; TOPMed 0.00002; gnomAD exomes 0.00004.
gnomAD v4.1: 62 of 1,612,468 alleles (0.0038%); highest among the groups gnomAD compares: Non-Finnish European, 0.0052%; no homozygotes.

Submission:

Labcorp Genetics (formerly Invitae), Labcorp
Classification: Uncertain significance for Cryptosporidiosis-chronic cholangitis-liver disease syndrome. Last evaluated: 2022-04-07. Review status: criteria provided, single submitter. Criteria: Invitae Variant Classification Sherloc (09022015). Collection method: clinical testing. Allele origin: germline.
Comment: This sequence change replaces valine, which is neutral and non-polar, with alanine, which is neutral and non-polar, at codon 316 of the IL21R protein (p.Val316Ala). This variant is present in population databases (no rsID available, gnomAD 0.0009%). This variant has not been reported in the literature in individuals affected with IL21R-related conditions. Algorithms developed to predict the effect of missense changes on protein structure and function (SIFT, PolyPhen-2, Align-GVGD) all suggest that this variant is likely to be tolerated. In summary, the available evidence is currently insufficient to determine the role of this variant in disease. Therefore, it has been classified as a Variant of Uncertain Significance.

NM_181078.3(IL21R):c.947T>C (p.Val316Ala)

Genes: IL21R (interleukin 21 receptor; plus strand), IL21R-AS1 (IL21R antisense RNA 1; minus strand). Cytogenetic location: 16p12.1.
Variant type: single nucleotide variant.
Coding change: c.947T>C on transcript NM_181078.3 (MANE Select); coding-DNA position 947, T replaced by C.
Protein change: p.Val316Ala; replaces valine 316 with alanine.
Molecular consequence: missense variant. On other transcripts: non-coding transcript variant (1).
Genome position (GRCh38, 1-based): chr16:27,448,613, T>C. VCF-style: chr16-27448613-T-C. GRCh37 (hg19) VCF-style: chr16-27459934-T-C.
Other names: c.947T>C, p.Val316Ala (NM_021798.4); c.1013T>C, p.Val338Ala (NM_181079.5); short protein forms V338A, V316A.
Identifiers: ClinVar variation 2171302 (VCV002171302.1), dbSNP rs1180045228, ClinGen allele CA395306859.